The following is an entry in ClinVar:

NM_019616.4(F7):c.219G>A (p.Glu73=)

Gene: F7 (coagulation factor VII; plus strand). Cytogenetic location: 13q34.
Variant type: single nucleotide variant.
Coding change: c.219G>A on transcript NM_019616.4 (MANE Select); coding-DNA position 219, G replaced by A.
Protein change: p.Glu73=; no amino-acid change (glutamic acid 73 retained).
Molecular consequence: synonymous variant. On other transcripts: non-coding transcript variant (1), intron variant (1).
Genome position (GRCh38, 1-based): chr13:113,110,844, G>A. VCF-style: chr13-113110844-G-A. GRCh37 (hg19) VCF-style: chr13-113765158-G-A.
Other names: p.Glu95=; c.285G>A, p.Glu95= (NM_000131.5); c.65-3003G>A (NM_001267554.2).
Identifiers: ClinVar variation 311223 (VCV000311223.8), dbSNP rs36208758, ClinGen allele CA7059880.

ClinVar aggregate classification (germline): Benign. Review status: criteria provided, multiple submitters, no conflicts (2 of 4 stars). 4 submissions from 4 submitters: Benign (4). Last evaluated 2026-01-25.

Conditions:
Factor VII deficiency. Also called: Factor 7 deficiency; F7 DEFICIENCY; HYPOPROCONVERTINEMIA. Identifiers: MedGen C0015503, MeSH D005168, MONDO:0002244.

Allele frequency attached by ClinVar (database versions not stated): 1000 Genomes Project 0.00519; 1000 Genomes Project 30x 0.00562; ESP Exome Variant Server 0.00850; TOPMed 0.00873; gnomAD 0.01009 and 0.01020; gnomAD exomes 0.01054 and 0.01395; ExAC 0.01985.

Submissions (4):

Labcorp Genetics (formerly Invitae), Labcorp
Classification: Benign. Last evaluated: 2026-01-25. Review status: criteria provided, single submitter. Criteria: Invitae Variant Classification Sherloc (09022015). Collection method: clinical testing. Allele origin: germline.

Mayo Clinic Laboratories, Mayo Clinic
Classification: Benign. Last evaluated: 2024-05-23. Review status: criteria provided, single submitter. Criteria: ACMG Guidelines, 2015. Collection method: clinical testing. Allele origin: germline. Observed: 10 variant alleles.

Illumina Laboratory Services, Illumina
Classification: Benign for Congenital factor VII deficiency. Last evaluated: 2018-01-13. Review status: criteria provided, single submitter. Criteria: ICSL Variant Classification Criteria 13 December 2019. Collection method: clinical testing. Allele origin: germline.
Comment: This variant was observed in the ICSL laboratory as part of a predisposition screen in an ostensibly healthy population. It had not been previously curated by ICSL or reported in the Human Gene Mutation Database (HGMD: prior to June 1st, 2018), and was therefore a candidate for classification through an automated scoring system. Utilizing variant allele frequency, disease prevalence and penetrance estimates, and inheritance mode, an automated score was calculated to assess if this variant is too frequent to cause the disease. Based on the score and internal cut-off values, a variant classified as benign is not then subjected to further curation. The score for this variant resulted in a classification of benign for this disease.

Breakthrough Genomics
Classification: Benign. Review status: criteria provided, single submitter. Criteria: ACMG Guidelines, 2015. Collection method: not provided. Allele origin: germline. Inheritance: Autosomal recessive inheritance. Affected: yes.